The following is an entry in ClinVar:

NM_005419.4(STAT2):c.2336A>G (p.Gln779Arg)

Gene: STAT2 (signal transducer and activator of transcription 2; minus strand). Cytogenetic location: 12q13.3.
Variant type: single nucleotide variant.
Coding change: c.2336A>G on transcript NM_005419.4 (MANE Select); coding-DNA position 2336, A replaced by G.
Protein change: p.Gln779Arg; replaces glutamine 779 with arginine.
Molecular consequence: missense variant.
Genome position (GRCh38, 1-based): chr12:56,343,902, T>C on the plus strand (A>G on the coding strand, the complement: STAT2 is on the minus strand). VCF-style: chr12-56343902-T-C. GRCh37 (hg19) VCF-style: chr12-56737686-T-C.
Other names: c.2336A>G (NM_005419.3); c.2303A>G, p.Gln768Arg (NM_001385110.1); c.2237A>G, p.Gln746Arg (NM_001385111.1); c.2336A>G, p.Gln779Arg (NM_001385113.1); c.2315A>G, p.Gln772Arg (NM_001385114.1); c.2294A>G, p.Gln765Arg (NM_001385115.1); c.2324A>G, p.Gln775Arg (NM_198332.2); short protein forms Q746R, Q772R, Q779R, Q768R, Q765R, Q775R.
Identifiers: ClinVar variation 1431800 (VCV001431800.9), dbSNP rs540878199, ClinGen allele CA237645064.
Genomic context (GRCh38, chr12:56,343,902, plus strand): 5'-TTCAAATGTCTCAGATCACAGGGCAAATCTGGCTCTGGCACTGGCTGTGATACAGGTCCT[T>C]GGTCTGGCTCTGGCACTGTTTGTGATACCATGCATAGTGTGGGCTCTATCACAGGCTCCA-3'
Protein context (NP_005410.1, residues 769-789): MVSQTVPEPD[Gln779Arg]GPVSQPVPEP

ClinVar aggregate classification (germline): Conflicting classifications of pathogenicity. Review status: criteria provided, conflicting classifications (1 of 4 stars). 2 submissions from 2 submitters: Uncertain significance (1); Likely benign (1). Last evaluated 2023-04-12.

Conditions:
Inborn genetic diseases. Identifiers: MedGen C0950123, MeSH D030342.
Primary immunodeficiency with post-measles-mumps-rubella vaccine viral infection. Also called: Immunodeficiency 44. Identifiers: Orphanet 431166, MedGen C4225260, MONDO:0014715, OMIM 616636.

Allele frequency attached by ClinVar (database versions not stated): TOPMed below 0.00001; gnomAD exomes 0.00001.
gnomAD v4.1: 6 of 1,614,142 alleles (0.00037%); highest among the groups gnomAD compares: Non-Finnish European, 0.00051%; no homozygotes.

Submissions (2):

Ambry Genetics
Classification: Likely benign for Inborn genetic diseases. Last evaluated: 2023-04-12. Review status: criteria provided, single submitter. Criteria: Ambry Variant Classification Scheme 2023. Collection method: clinical testing. Allele origin: germline.

Labcorp Genetics (formerly Invitae), Labcorp
Classification: Uncertain significance for Primary immunodeficiency with post-measles-mumps-rubella vaccine viral infection. Last evaluated: 2021-01-13. Review status: criteria provided, single submitter. Criteria: Invitae Variant Classification Sherloc (09022015). Collection method: clinical testing. Allele origin: germline.
Comment: This variant has not been reported in the literature in individuals with STAT2-related conditions. This sequence change replaces glutamine with arginine at codon 779 of the STAT2 protein (p.Gln779Arg). The glutamine residue is weakly conserved and there is a small physicochemical difference between glutamine and arginine. This variant is not present in population databases (ExAC no frequency). Algorithms developed to predict the effect of missense changes on protein structure and function output the following: SIFT: "Tolerated"; PolyPhen-2: "Benign"; Align-GVGD: "Class C0". The arginine amino acid residue is found in multiple mammalian species, suggesting that this missense change does not adversely affect protein function. These predictions have not been confirmed by published functional studies and their clinical significance is uncertain. In summary, the available evidence is currently insufficient to determine the role of this variant in disease. Therefore, it has been classified as a Variant of Uncertain Significance.